The following is an entry in ClinVar:

NM_176824.3(BBS7):c.1219G>A (p.Val407Ile)

Gene: BBS7 (Bardet-Biedl syndrome 7; minus strand). Cytogenetic location: 4q27.
Variant type: single nucleotide variant.
Coding change: c.1219G>A on transcript NM_176824.3 (MANE Select); coding-DNA position 1219, G replaced by A.
Protein change: p.Val407Ile; replaces valine 407 with isoleucine.
Molecular consequence: missense variant.
Genome position (GRCh38, 1-based): chr4:121,845,515, C>T on the plus strand (G>A on the coding strand, the complement: BBS7 is on the minus strand). VCF-style: chr4-121845515-C-T. GRCh37 (hg19) VCF-style: chr4-122766670-C-T.
Other names: c.1219G>A, p.Val407Ile (NM_018190.4); short protein forms V407I.
Identifiers: ClinVar variation 4992041 (VCV004992041.1).

ClinVar aggregate classification (germline): Uncertain significance (1 of 4 stars; one submission).

Conditions:
BBS7-related disorder. Also called: BBS7-related condition.

gnomAD v4.1: 1 of 1,611,432 alleles (0.000062%); highest among the groups gnomAD compares: African/African-American, 0.0013%; no homozygotes.

Submission:

PreventionGenetics, part of Exact Sciences
Classification: Uncertain significance for BBS7-related condition. Last evaluated: 2026-05-21. Review status: criteria provided, single submitter. Criteria: ACMG Guidelines, 2015. Collection method: clinical testing. Allele origin: germline.
Comment: The BBS7 c.1219G>A variant is predicted to result in the amino acid substitution p.Val407Ile. To our knowledge, this variant has not been reported in the literature. This variant is reported in 0.012% of alleles in individuals of African descent in gnomAD. At this time, the clinical significance of this variant is uncertain due to the absence of conclusive functional and genetic evidence.